The following is an entry in ClinVar:

ClinVar aggregate classification (germline): Uncertain significance (1 of 4 stars; one submission).

Conditions:
Fabry disease. Also called: ALPHA-GALACTOSIDASE A DEFICIENCY; ANDERSON-FABRY DISEASE; CERAMIDE TRIHEXOSIDASE DEFICIENCY; GLA DEFICIENCY; HEREDITARY DYSTOPIC LIPIDOSIS; Angiokeratoma corporis diffusum. Identifiers: Orphanet 324, MedGen C0002986, MONDO:0010526, OMIM 301500, HP:0001071. Disease mechanism: Fabry disease is due to inactivating mutations in the X-linked GLA gene resulting in deficiency of the enzyme Alpha Galactosidase-A., loss of function.

Submission:

Genomenon, Inc
Classification: Uncertain significance for Fabry disease. Last evaluated: 2026-09-08. Review status: criteria provided, single submitter. Criteria: Genomenon Sequence Variant Interpretation Standards - Updated. Collection method: curation. Allele origin: germline. Affected: yes.
Comment: GLA p.Leu286Val (c.856C>G) is a missense variant that changes the amino acid at codon 286 from Leucine to Valine. This variant has been observed in at least one proband with clinical features consistent with Fabry disease (PMID:38295534). Functional or patient cell studies have been reported (PMID:34199132;33072983). It is absent or not present at a significant frequency in gnomAD. In conclusion, we classify GLA p.Leu286Val (c.856C>G) as a variant of uncertain significance.

Literature cited by the submitters: PubMed 38295534; PubMed 34199132; PubMed 33072983.

NM_000169.3(GLA):c.856C>G (p.Leu286Val)

Genes: GLA (galactosidase alpha; minus strand), RPL36A-HNRNPH2 (RPL36A-HNRNPH2 readthrough; plus strand). Cytogenetic location: Xq22.1.
Variant type: single nucleotide variant.
Coding change: c.856C>G on transcript NM_000169.3 (MANE Select); coding-DNA position 856, C replaced by G.
Protein change: p.Leu286Val; replaces leucine 286 with valine.
Molecular consequence: missense variant. On other transcripts: non-coding transcript variant (3), intron variant (2).
Genome position (GRCh38, 1-based): chrX:101,398,513, G>C on the plus strand (C>G on the coding strand, the complement: GLA is on the minus strand). VCF-style: chrX-101398513-G-C. GRCh37 (hg19) VCF-style: chrX-100653501-G-C.
Other names: c.979C>G, p.Leu327Val (NM_001406747.1); c.856C>G, p.Leu286Val (NM_001406748.1); c.300+3056G>C (NM_001199973.2); c.177+6691G>C (NM_001199974.2); short protein forms L286V, L327V.
Identifiers: ClinVar variation 4087553 (VCV004087553.2).
Genomic context (GRCh38, chrX:101,398,513, plus strand): 5'-GAGGGCTGATGTGTCGGAGGTCATTAGACATGAATAAAGGAGCAGCCATGATAGCCCAGA[G>C]GGCCATCTGAGTTACTTGCTGATTCCAGCTGAGGCCAAAGTTGCCAATCACTAACTGAGA-3'
Protein context (NP_000160.1, residues 276-296): SWNQQVTQMA[Leu286Val]WAIMAAPLFM